The following is an entry in ClinVar:

ClinVar aggregate classification (germline): Likely pathogenic. Review status: criteria provided, multiple submitters, no conflicts (2 of 4 stars). 2 submissions from 2 submitters: Likely pathogenic (2). Last evaluated 2026-02-23.

Conditions:
Oculocutaneous albinism. Identifiers: Orphanet 55, MedGen C0078918, MONDO:0018910.

Submissions (2):

Women's Health and Genetics/Laboratory Corporation of America, LabCorp
Classification: Likely pathogenic for Oculocutaneous albinism. Last evaluated: 2026-02-23. Review status: criteria provided, single submitter. Criteria: LabCorp Variant Classification Summary - May 2015. Collection method: clinical testing. Allele origin: germline.
Comment: Variant summary: OCA2 c.2139G>A (p.Lys713Lys) alters a conserved nucleotide located close to a canonical splice site and therefore could affect mRNA splicing, leading to a significantly altered protein sequence. Several computational tools predict a significant impact on normal splicing: Two predict the variant weakens the canonical 5' donor site and one predicts the variant abolishes the 5' splicing donor site. At least one publication reports experimental evidence that this variant indeed affects mRNA splicing (Rimoldi_2014). The variant was absent in 251046 control chromosomes. c.2139G>A has been observed in the compound heterozygous state together with a pathogenic variant in individuals affected with Oculocutaneous Albinism (e.g. Rimoldi_2014, Qiu_2018). These data indicate that the variant is likely associated with disease. The following publications have been ascertained in the context of this evaluation (PMID: 29437493, 24361966). ClinVar contains an entry for this variant (Variation ID: 3239364). Based on the evidence outlined above, the variant was classified as likely pathogenic.

CeGaT Center for Human Genetics Tuebingen
Classification: Likely pathogenic. Last evaluated: 2024-05-01. Review status: criteria provided, single submitter. Criteria: CeGaT Center For Human Genetics Tuebingen Variant Classification Criteria Version 2. Collection method: clinical testing. Allele origin: germline. Affected: yes. Observed: 1 variant allele.
Comment: OCA2: PM3, PS3:Moderate, PM2:Supporting, PP3

Literature cited by the submitters: PubMed 29437493 (cited by Women's Health and Genetics/Laboratory Corporation of America, LabCorp); PubMed 24361966 (cited by Women's Health and Genetics/Laboratory Corporation of America, LabCorp).

NM_000275.3(OCA2):c.2139G>A (p.Lys713=)

Gene: OCA2 (OCA2 melanosomal transmembrane protein; minus strand). Cytogenetic location: 15q13.1.
Variant type: single nucleotide variant.
Coding change: c.2139G>A on transcript NM_000275.3 (MANE Select); coding-DNA position 2139, G replaced by A.
Protein change: p.Lys713=; no amino-acid change (lysine 713 retained).
Molecular consequence: synonymous variant.
Genome position (GRCh38, 1-based): chr15:27,871,863, C>T on the plus strand (G>A on the coding strand, the complement: OCA2 is on the minus strand). VCF-style: chr15-27871863-C-T. GRCh37 (hg19) VCF-style: chr15-28117009-C-T.
Other names: c.2067G>A, p.Lys689= (NM_001300984.2).
Identifiers: ClinVar variation 3239364 (VCV003239364.20), dbSNP rs1312908957.
Genomic context (GRCh38, chr15:27,871,863, plus strand): 5'-TTTTTTCACAAAATCAAAGAACAGTGGCTGGAGTGCCTTCTATTATAGCATTTATTTTAC[C>T]TTTATTAGCAAAGCAGTTTGTTCTCCAACATATTCTATTAAGTGGAGATGTGCCAATGCC-3'
Protein context (NP_000266.2, residues 703-723): YVGEQTALLI[Lys713=]MVPEEQRLIA